The following is an entry in ClinVar:

ClinVar aggregate classification (germline): Likely benign (1 of 4 stars; one submission).

Allele frequency attached by ClinVar (database versions not stated): 1000 Genomes Project 30x 0.00094; 1000 Genomes Project 0.00100; TOPMed 0.00174; gnomAD 0.00185; ExAC 0.00200; ESP Exome Variant Server 0.00219; gnomAD exomes 0.00300.
gnomAD v4.1: 4,493 of 1,553,120 alleles (0.29%); highest among the groups gnomAD compares: Non-Finnish European, 0.34%; 12 homozygotes.

Submission:

CeGaT Center for Human Genetics Tuebingen
Classification: Likely benign. Last evaluated: 2023-03-01. Review status: criteria provided, single submitter. Criteria: CeGaT Center For Human Genetics Tuebingen Variant Classification Criteria Version 2. Collection method: clinical testing. Allele origin: germline. Affected: yes. Observed: 1 variant allele.
Comment: ANKRD36: BP4, BP7, BS2

NM_001354587.1(ANKRD36):c.684G>A (p.Ala228=)

Gene: ANKRD36 (ankyrin repeat domain 36; plus strand). Cytogenetic location: 2q11.2.
Variant type: single nucleotide variant.
Coding change: c.684G>A on transcript NM_001354587.1 (MANE Select); coding-DNA position 684, G replaced by A.
Protein change: p.Ala228=; no amino-acid change (alanine 228 retained).
Molecular consequence: synonymous variant.
Genome position (GRCh38, 1-based): chr2:97,124,550, G>A. VCF-style: chr2-97124550-G-A. GRCh37 (hg19) VCF-style: chr2-97790287-G-A.
Identifiers: ClinVar variation 2651159 (VCV002651159.22), dbSNP rs141841093, ClinGen allele CA1786604.